The following is an entry in ClinVar:

NM_020433.5(JPH2):c.1715G>A (p.Arg572His)

Gene: JPH2 (junctophilin 2; minus strand). Cytogenetic location: 20q13.12.
Variant type: single nucleotide variant.
Coding change: c.1715G>A on transcript NM_020433.5 (MANE Select); coding-DNA position 1715, G replaced by A.
Protein change: p.Arg572His; replaces arginine 572 with histidine.
Molecular consequence: missense variant.
Genome position (GRCh38, 1-based): chr20:44,115,960, C>T on the plus strand (G>A on the coding strand, the complement: JPH2 is on the minus strand). VCF-style: chr20-44115960-C-T. GRCh37 (hg19) VCF-style: chr20-42744600-C-T.
Other names: c.1715G>A (NM_020433.4); short protein forms R572H.
Identifiers: ClinVar variation 1369862 (VCV001369862.8), dbSNP rs763423903, ClinGen allele CA9868629.

ClinVar aggregate classification (germline): Uncertain significance. Review status: criteria provided, multiple submitters, no conflicts (2 of 4 stars). 3 submissions from 3 submitters: Uncertain significance (3). Last evaluated 2025-12-12.

Conditions:
Hypertrophic cardiomyopathy. Also called: HYPERTROPHIC MYOCARDIOPATHY. Identifiers: Orphanet 217569, MedGen C0007194, MeSH D002312, MONDO:0005045, HP:0001639.
Cardiovascular phenotype. Identifiers: MedGen CN230736.

Allele frequency attached by ClinVar (database versions not stated): TOPMed 0.00001; ExAC 0.00002; gnomAD 0.00003; gnomAD exomes 0.00003.
gnomAD v4.1: 31 of 1,572,498 alleles (0.002%); highest among the groups gnomAD compares: South Asian, 0.011%; no homozygotes.

Submissions (3):

Ambry Genetics
Classification: Uncertain significance for Cardiovascular phenotype. Last evaluated: 2025-12-12. Review status: criteria provided, single submitter. Criteria: Ambry Variant Classification Scheme 2023. Collection method: clinical testing. Allele origin: germline.
Comment: The p.R572H variant (also known as c.1715G>A), located in coding exon 4 of the JPH2 gene, results from a G to A substitution at nucleotide position 1715. The arginine at codon 572 is replaced by histidine, an amino acid with highly similar properties. This amino acid position is highly conserved in available vertebrate species. In addition, this alteration is predicted to be tolerated by in silico analysis. Based on the available evidence, the clinical significance of this variant remains unclear.

Blueprint Genetics
Classification: Uncertain significance. Last evaluated: 2024-07-17. Review status: criteria provided, single submitter. Criteria: ACMG Guidelines, 2015. Collection method: clinical testing. Allele origin: germline.

Labcorp Genetics (formerly Invitae), Labcorp
Classification: Uncertain significance for Hypertrophic cardiomyopathy. Last evaluated: 2023-12-13. Review status: criteria provided, single submitter. Criteria: Invitae Variant Classification Sherloc (09022015). Collection method: clinical testing. Allele origin: germline.
Comment: This sequence change replaces arginine, which is basic and polar, with histidine, which is basic and polar, at codon 572 of the JPH2 protein (p.Arg572His). The frequency data for this variant in the population databases is considered unreliable, as metrics indicate poor data quality at this position in the gnomAD database. This variant has not been reported in the literature in individuals affected with JPH2-related conditions. ClinVar contains an entry for this variant (Variation ID: 1369862). An algorithm developed to predict the effect of missense changes on protein structure and function (PolyPhen-2) suggests that this variant is likely to be disruptive. In summary, the available evidence is currently insufficient to determine the role of this variant in disease. Therefore, it has been classified as a Variant of Uncertain Significance.